The following is an entry in ClinVar:

NM_130837.3(OPA1):c.2006A>T (p.Lys669Ile)

Gene: OPA1 (OPA1 mitochondrial dynamin like GTPase; plus strand). Cytogenetic location: 3q29.
Variant type: single nucleotide variant.
Coding change: c.2006A>T on transcript NM_130837.3 (MANE Select); coding-DNA position 2006, A replaced by T.
Protein change: p.Lys669Ile; replaces lysine 669 with isoleucine.
Molecular consequence: missense variant.
Genome position (GRCh38, 1-based): chr3:193,648,865, A>T. VCF-style: chr3-193648865-A-T. GRCh37 (hg19) VCF-style: chr3-193366654-A-T.
Other names: c.1472A>T, p.Lys491Ile (NM_001354663.2); c.1469A>T, p.Lys490Ile (NM_001354664.2); c.1841A>T, p.Lys614Ile (NM_015560.3); c.1733A>T, p.Lys578Ile (NM_130831.3); c.1787A>T, p.Lys596Ile (NM_130832.3); c.1844A>T, p.Lys615Ile (NM_130833.3); c.1895A>T, p.Lys632Ile (NM_130834.3); c.1898A>T, p.Lys633Ile (NM_130835.3); and 2 more; short protein forms K614I, K669I, K578I, K615I, K632I, K491I, K633I, K651I.
Identifiers: ClinVar variation 214910 (VCV000214910.10), dbSNP rs146601330, ClinGen allele CA323844.

ClinVar aggregate classification (germline): Uncertain significance. Review status: criteria provided, multiple submitters, no conflicts (2 of 4 stars). 4 submissions from 4 submitters: Uncertain significance (4). Last evaluated 2026-05-18.

Conditions:
OPA1-related disorder. Also called: OPA1-related condition; OPA1-related disorders.

Allele frequency attached by ClinVar (database versions not stated): gnomAD 0.00001; gnomAD exomes 0.00001 and 0.00002; ExAC 0.00002; TOPMed 0.00002; ESP Exome Variant Server 0.00008.
gnomAD v4.1: 36 of 1,596,022 alleles (0.0023%); highest among the groups gnomAD compares: Non-Finnish European, 0.0028%; no homozygotes.

Submissions (4):

PreventionGenetics, part of Exact Sciences
Classification: Uncertain significance for OPA1-related condition. Last evaluated: 2026-05-18. Review status: criteria provided, single submitter. Criteria: ACMG Guidelines, 2015. Collection method: clinical testing. Allele origin: germline.
Comment: The OPA1 c.2006A>T variant is predicted to result in the amino acid substitution p.Lys669Ile. This variant is also referred to as c.1841A>T (p.Lys614Ile) on alternate transcript NM_015560. To our knowledge, this variant has not been reported in the literature. This variant is reported in 0.0029% of alleles in individuals of Latino descent in gnomAD. At this time, the clinical significance of this variant is uncertain due to the absence of conclusive functional and genetic evidence.

Labcorp Genetics (formerly Invitae), Labcorp
Classification: Uncertain significance. Last evaluated: 2025-07-13. Review status: criteria provided, single submitter. Criteria: Invitae Variant Classification Sherloc (09022015). Collection method: clinical testing. Allele origin: germline.
Comment: This sequence change replaces lysine, which is basic and polar, with isoleucine, which is neutral and non-polar, at codon 614 of the OPA1 protein (p.Lys614Ile). This variant is present in population databases (rs146601330, gnomAD 0.003%). This variant has not been reported in the literature in individuals affected with OPA1-related conditions. ClinVar contains an entry for this variant (Variation ID: 214910). Invitae Evidence Modeling of protein sequence and biophysical properties (such as structural, functional, and spatial information, amino acid conservation, physicochemical variation, residue mobility, and thermodynamic stability) indicates that this missense variant is not expected to disrupt OPA1 protein function with a negative predictive value of 80%. In summary, the available evidence is currently insufficient to determine the role of this variant in disease. Therefore, it has been classified as a Variant of Uncertain Significance.

Blueprint Genetics
Classification: Uncertain significance. Last evaluated: 2022-11-03. Review status: criteria provided, single submitter. Criteria: ACMG Guidelines, 2015. Collection method: clinical testing. Allele origin: germline.

GeneDx
Classification: Uncertain significance. Last evaluated: 2019-05-15. Review status: criteria provided, single submitter. Criteria: GeneDx Variant Classification Process June 2021. Collection method: clinical testing. Allele origin: germline. Affected: yes.
Comment: Has not been previously published as pathogenic or benign to our knowledge; Not observed at a significant frequency in large population cohorts (Lek et al., 2016); In silico analysis, which includes protein predictors and evolutionary conservation, supports a deleterious effect